The following is an entry in ClinVar:

ClinVar aggregate classification (germline): Uncertain significance (1 of 4 stars; one submission).

Submission:

GeneDx
Classification: Uncertain significance. Last evaluated: 2022-05-02. Review status: criteria provided, single submitter. Criteria: GeneDx Variant Classification Process June 2021. Collection method: clinical testing. Allele origin: germline. Affected: yes.
Comment: Not observed at significant frequency in large population cohorts (gnomAD); In silico analysis supports that this missense variant has a deleterious effect on protein structure/function; Has not been previously published as pathogenic or benign to our knowledge

NM_003865.3(HESX1):c.501T>G (p.His167Gln)

Gene: HESX1 (HESX homeobox 1; minus strand). Cytogenetic location: 3p14.3.
Variant type: single nucleotide variant.
Coding change: c.501T>G on transcript NM_003865.3 (MANE Select); coding-DNA position 501, T replaced by G.
Protein change: p.His167Gln; replaces histidine 167 with glutamine.
Molecular consequence: missense variant. On other transcripts: non-coding transcript variant (1).
Genome position (GRCh38, 1-based): chr3:57,198,254, A>C on the plus strand (T>G on the coding strand, the complement: HESX1 is on the minus strand). VCF-style: chr3-57198254-A-C. GRCh37 (hg19) VCF-style: chr3-57232282-A-C.
Other names: c.501T>G, p.His167Gln (NM_001376058.1, NM_001376059.1, NM_001376060.1 and 1 more transcripts); short protein forms H167Q.
Identifiers: ClinVar variation 1723118 (VCV001723118.2), dbSNP rs2471733392, ClinGen allele CA353400300.
Genomic context (GRCh38, chr3:57,198,254, plus strand): 5'-TATCTATTCCAGCAGATTTGTGTTGAAATTTTTTTTCGCCATTAGAAACTGTGATTCTCT[A>C]TGGGACCTTTTCAGTTTTGCACGCCGATTTTGAAACCAAATCTAAAGTTAAGGAAAAATA-3'
Protein context (NP_003856.1, residues 157-177): QNRRAKLKRS[His167Gln]RESQFLMAKK